The following is an entry in ClinVar:

NM_000392.5(ABCC2):c.1464+2T>C

Gene: ABCC2 (ATP binding cassette subfamily C member 2; plus strand). Cytogenetic location: 10q24.2.
Variant type: single nucleotide variant.
Coding change: c.1464+2T>C on transcript NM_000392.5 (MANE Select); the canonical splice donor site of the intron after coding-DNA position 1464, T replaced by C.
Molecular consequence: splice donor variant.
Genome position (GRCh38, 1-based): chr10:99,804,275, T>C. VCF-style: chr10-99804275-T-C. GRCh37 (hg19) VCF-style: chr10-101564032-T-C.
Identifiers: ClinVar variation 4996289 (VCV004996289.1).

ClinVar aggregate classification (germline): Likely pathogenic (1 of 4 stars; one submission).

Conditions:
ABCC2-related disorder. Also called: ABCC2-related condition.

gnomAD v4.1: 1 of 1,614,050 alleles (0.000062%); highest among the groups gnomAD compares: Non-Finnish European, 0.000085%; no homozygotes.

Submission:

PreventionGenetics, part of Exact Sciences
Classification: Likely pathogenic for ABCC2-related condition. Last evaluated: 2025-11-21. Review status: criteria provided, single submitter. Criteria: ACMG Guidelines, 2015. Collection method: clinical testing. Allele origin: germline.
Comment: The ABCC2 c.1464+2T>C variant is predicted to disrupt the GT donor site and interfere with normal splicing. To our knowledge, this variant has not been reported in the literature or in a large population database (gnomAD), indicating this variant is rare. Variants that disrupt the consensus splice donor site in ABCC2 are expected to be pathogenic. This variant is interpreted as likely pathogenic.